The following is an entry in ClinVar:

ClinVar aggregate classification (germline): Uncertain significance. Review status: criteria provided, multiple submitters, no conflicts (2 of 4 stars). 2 submissions from 2 submitters: Uncertain significance (2). Last evaluated 2025-05-28.

Conditions:
SH2B1-related disorder. Also called: SH2B1-related condition.

Allele frequency attached by ClinVar (database versions not stated): gnomAD 0.00001; ExAC 0.00002.

Submissions (2):

Ambry Genetics
Classification: Uncertain significance. Last evaluated: 2025-05-28. Review status: criteria provided, single submitter. Criteria: Ambry Variant Classification Scheme 2023. Collection method: clinical testing. Allele origin: germline.

PreventionGenetics, part of Exact Sciences
Classification: Uncertain significance for SH2B1-related condition. Last evaluated: 2025-05-27. Review status: criteria provided, single submitter. Criteria: ACMG Guidelines, 2015. Collection method: clinical testing. Allele origin: germline.
Comment: The SH2B1 c.1463A>C variant is predicted to result in the amino acid substitution p.His488Pro. To our knowledge, this variant has not been reported in the literature. This variant is reported in 0.0036% of alleles in individuals of European (Non-Finnish) descent in gnomAD. At this time, the clinical significance of this variant is uncertain due to the absence of conclusive functional and genetic evidence.

NM_001387430.1(SH2B1):c.1463A>C (p.His488Pro)

Gene: SH2B1 (SH2B adaptor protein 1; plus strand). Cytogenetic location: 16p11.2.
Variant type: single nucleotide variant.
Coding change: c.1463A>C on transcript NM_001387430.1 (MANE Select); coding-DNA position 1463, A replaced by C.
Protein change: p.His488Pro; replaces histidine 488 with proline.
Molecular consequence: missense variant.
Genome position (GRCh38, 1-based): chr16:28,871,933, A>C. VCF-style: chr16-28871933-A-C. GRCh37 (hg19) VCF-style: chr16-28883254-A-C.
Other names: c.1463A>C, p.His488Pro (NM_001145795.2, NM_001145796.2, NM_001145797.2 and 4 more transcripts); c.455A>C, p.His152Pro (NM_001308294.2); short protein forms H488P, H152P.
Identifiers: ClinVar variation 2227120 (VCV002227120.4), dbSNP rs755657868, ClinGen allele CA7986213.